The following is an entry in ClinVar:

NM_000064.4(C3):c.1119+14C>T

Gene: C3 (complement C3; minus strand). Cytogenetic location: 19p13.3.
Variant type: single nucleotide variant.
Coding change: c.1119+14C>T on transcript NM_000064.4 (MANE Select); 14 bases into the intron after coding-DNA position 1119, C replaced by T.
Molecular consequence: intron variant.
Genome position (GRCh38, 1-based): chr19:6,712,494, G>A on the plus strand (C>T on the coding strand, the complement: C3 is on the minus strand). VCF-style: chr19-6712494-G-A. GRCh37 (hg19) VCF-style: chr19-6712505-G-A.
Other names: c.1119+14C>T (LRG_27t1).
Identifiers: ClinVar variation 330330 (VCV000330330.13), dbSNP rs374368486, ClinGen allele CA9129557.
Genomic context (GRCh38, chr19:6,712,494, plus strand): 5'-GTTCAGGCAGGCTCAGGGCTGTGGCCGGTGTCCCCGAAGGGAGGAGTGGGACCCCTTCCC[G>A]CCCCGGGTCTCACCATGAGGTCAAAGGGCATTCCTGGTTTGAAGTACTTGGGTGTCTTGG-3'

ClinVar aggregate classification (germline): Conflicting classifications of pathogenicity. Review status: criteria provided, conflicting classifications (1 of 4 stars). 5 submissions from 3 submitters: Uncertain significance (2); Benign (1); Likely benign (2). Last evaluated 2026-01-22.

Conditions:
Complement component 3 deficiency. Identifiers: Orphanet 280133, MedGen C3151071, MONDO:0013417, OMIM 613779.
Age related macular degeneration 9. Identifiers: MedGen C1969651, MONDO:0012659, OMIM 611378.
Atypical hemolytic-uremic syndrome with C3 anomaly. Also called: AHUS, SUSCEPTIBILITY TO, 5. Identifiers: Orphanet 2134, MedGen C2752037, MONDO:0013043, OMIM 612925.

Allele frequency attached by ClinVar (database versions not stated): gnomAD exomes 0.00004 and 0.00011; gnomAD 0.00005 and 0.00010; TOPMed 0.00006; ESP Exome Variant Server 0.00008; ExAC 0.00012; 1000 Genomes Project 30x 0.00047; 1000 Genomes Project 0.00060.
gnomAD v4.1: 72 of 1,613,784 alleles (0.0045%); highest among the groups gnomAD compares: East Asian, 0.033%; no homozygotes.

Submissions (5):

Women's Health and Genetics/Laboratory Corporation of America, LabCorp
Classification: Likely benign. Last evaluated: 2026-01-22. Review status: criteria provided, single submitter. Criteria: LabCorp Variant Classification Summary - May 2015. Collection method: clinical testing. Allele origin: germline.

Labcorp Genetics (formerly Invitae), Labcorp
Classification: Likely benign. Last evaluated: 2025-11-03. Review status: criteria provided, single submitter. Criteria: Invitae Variant Classification Sherloc (09022015). Collection method: clinical testing. Allele origin: germline.

Illumina Laboratory Services, Illumina
Classification: Benign for Atypical hemolytic-uremic syndrome with C3 anomaly. Last evaluated: 2018-01-13. Review status: criteria provided, single submitter. Criteria: ICSL Variant Classification Criteria 13 December 2019. Collection method: clinical testing. Allele origin: germline.
Comment: This variant was observed in the ICSL laboratory as part of a predisposition screen in an ostensibly healthy population. It had not been previously curated by ICSL or reported in the Human Gene Mutation Database (HGMD: prior to June 1st, 2018), and was therefore a candidate for classification through an automated scoring system. Utilizing variant allele frequency, disease prevalence and penetrance estimates, and inheritance mode, an automated score was calculated to assess if this variant is too frequent to cause the disease. Based on the score and internal cut-off values, a variant classified as benign is not then subjected to further curation. The score for this variant resulted in a classification of benign for this disease.

Illumina Laboratory Services, Illumina
Classification: Uncertain significance for Complement component 3 deficiency. Last evaluated: 2018-01-13. Review status: criteria provided, single submitter. Criteria: ICSL Variant Classification Criteria 13 December 2019. Collection method: clinical testing. Allele origin: germline.

Illumina Laboratory Services, Illumina
Classification: Uncertain significance for Age related macular degeneration 9. Last evaluated: 2018-01-13. Review status: criteria provided, single submitter. Criteria: ICSL Variant Classification Criteria 13 December 2019. Collection method: clinical testing. Allele origin: germline.